The following is an entry in ClinVar:

NM_020975.6(RET):c.921A>T (p.Ser307=)

Gene: RET (ret proto-oncogene; plus strand). Cytogenetic location: 10q11.21.
Variant type: single nucleotide variant.
Coding change: c.921A>T on transcript NM_020975.6 (MANE Select); coding-DNA position 921, A replaced by T.
Protein change: p.Ser307=; no amino-acid change (serine 307 retained).
Molecular consequence: synonymous variant. On other transcripts: intron variant (25).
Genome position (GRCh38, 1-based): chr10:43,106,429, A>T. VCF-style: chr10-43106429-A-T. GRCh37 (hg19) VCF-style: chr10-43601877-A-T.
Other names: c.921A>T, p.Ser307= (NM_000323.2, NM_001406743.1, NM_001406744.1 and 6 more transcripts); c.159A>T, p.Ser53= (NM_001355216.2); c.792A>T, p.Ser264= (NM_001406761.1, NM_001406762.1, NM_001406764.1 and 1 more transcripts); c.633A>T, p.Ser211= (NM_001406766.1, NM_001406767.1, NM_001406770.1); c.867+1236A>T (NM_001406772.1, NM_001406769.1); c.626-2602A>T (NM_001406773.1, NM_001406771.1); c.625+3800A>T (NM_001406782.1, NM_001406780.1, NM_001406779.1 and 3 more transcripts); c.738+1236A>T (NM_001406774.1); and 5 more.
Identifiers: ClinVar variation 1610640 (VCV001610640.11), dbSNP rs748294306, ClinGen allele CA469023650.
Genomic context (GRCh38, chr10:43,106,429, plus strand): 5'-CCTGCAGGACACCGTGGTGGCCACGCTGCGTGTCTTCGATGCAGACGTGGTACCTGCATC[A>T]GGGGAGCTGGTGAGGCGGTACACAAGCACGCTGCTCCCCGGGGACACCTGGGCCCAGCAG-3'
Protein context (NP_066124.1, residues 297-317): RVFDADVVPA[Ser307=]GELVRRYTST

ClinVar aggregate classification (germline): Benign/Likely benign. Review status: criteria provided, multiple submitters, no conflicts (2 of 4 stars). 3 submissions from 3 submitters: Benign (1); Likely benign (2). Last evaluated 2025-02-25.

Conditions:
Multiple endocrine neoplasia, type 2 (MEN2). Identifiers: Orphanet 653, MedGen C4048306, MONDO:0019003. Disease mechanism: gain of function.
Hereditary cancer-predisposing syndrome. Also called: Tumor predisposition; Hereditary Cancer Syndrome; Neoplastic Syndromes, Hereditary; Hereditary neoplastic syndrome. Identifiers: Orphanet 140162, MedGen C0027672, MeSH D009386, MONDO:0015356.
Multiple endocrine neoplasia type 2A. Also called: Multiple Endocrine Neoplasia Type 2A (MEN2A); MULTIPLE ENDOCRINE NEOPLASIA, TYPE IIA; PTC SYNDROME; SIPPLE SYNDROME; MEN 2A; MEN-2A syndrome. Identifiers: Orphanet 247698, Orphanet 653, MedGen C0025268, MeSH D018813, MONDO:0008234, OMIM 171400.

Submissions (3):

Myriad Genetics, Inc.
Classification: Benign for Multiple endocrine neoplasia type 2A. Last evaluated: 2025-02-25. Review status: criteria provided, single submitter. Criteria: Myriad Autosomal Dominant, Autosomal Recessive and X-Linked Classification Criteria (2023). Collection method: clinical testing. Allele origin: unknown.
Comment: This variant is considered benign. This variant is a silent/synonymous amino acid change and it is not expected to impact splicing.

Ambry Genetics
Classification: Likely benign for Hereditary cancer-predisposing syndrome. Last evaluated: 2024-05-18. Review status: criteria provided, single submitter. Criteria: Ambry Variant Classification Scheme 2023. Collection method: clinical testing. Allele origin: germline.

Labcorp Genetics (formerly Invitae), Labcorp
Classification: Likely benign for Multiple endocrine neoplasia, type 2. Last evaluated: 2022-11-11. Review status: criteria provided, single submitter. Criteria: Invitae Variant Classification Sherloc (09022015). Collection method: clinical testing. Allele origin: germline.